The following is an entry in ClinVar:

ClinVar aggregate classification (germline): Uncertain significance (1 of 4 stars; one submission).

Conditions:
Carney complex, type 1 (CNC1). Also called: CARNEY MYXOMA-ENDOCRINE COMPLEX; CARNEY COMPLEX, TYPE I. Identifiers: Orphanet 1359, MedGen C2607929, MONDO:0008057, OMIM 160980.

Submission:

Labcorp Genetics (formerly Invitae), Labcorp
Classification: Uncertain significance for Carney complex, type 1. Last evaluated: 2024-03-14. Review status: criteria provided, single submitter. Criteria: Invitae Variant Classification Sherloc (09022015). Collection method: clinical testing. Allele origin: germline.
Comment: This sequence change replaces valine, which is neutral and non-polar, with isoleucine, which is neutral and non-polar, at codon 186 of the PRKAR1A protein (p.Val186Ile). This variant is not present in population databases (gnomAD no frequency). This variant has not been reported in the literature in individuals affected with PRKAR1A-related conditions. ClinVar contains an entry for this variant (Variation ID: 1504119). Advanced modeling of protein sequence and biophysical properties (such as structural, functional, and spatial information, amino acid conservation, physicochemical variation, residue mobility, and thermodynamic stability) performed at Invitae indicates that this missense variant is not expected to disrupt PRKAR1A protein function with a negative predictive value of 80%. In summary, the available evidence is currently insufficient to determine the role of this variant in disease. Therefore, it has been classified as a Variant of Uncertain Significance.

NM_002734.5(PRKAR1A):c.556G>A (p.Val186Ile)

Gene: PRKAR1A (protein kinase cAMP-dependent type I regulatory subunit alpha; plus strand). Cytogenetic location: 17q24.2.
Variant type: single nucleotide variant.
Coding change: c.556G>A on transcript NM_002734.5 (MANE Select); coding-DNA position 556, G replaced by A.
Protein change: p.Val186Ile; replaces valine 186 with isoleucine.
Molecular consequence: missense variant.
Genome position (GRCh38, 1-based): chr17:68,525,760, G>A. VCF-style: chr17-68525760-G-A. GRCh37 (hg19) VCF-style: chr17-66521901-G-A.
Other names: c.556G>A, p.Val186Ile (NM_001276289.2, NM_001276290.1, NM_001278433.2 and 4 more transcripts); short protein forms V186I.
Identifiers: ClinVar variation 1504119 (VCV001504119.8), dbSNP rs2143321564, ClinGen allele CA400753060.